The following is an entry in ClinVar:

NM_002907.4(RECQL):c.1660T>A (p.Tyr554Asn)

Gene: RECQL (RecQ like helicase; minus strand). Cytogenetic location: 12p12.1.
Variant type: single nucleotide variant.
Coding change: c.1660T>A on transcript NM_002907.4 (MANE Select); coding-DNA position 1660, T replaced by A.
Protein change: p.Tyr554Asn; replaces tyrosine 554 with asparagine.
Molecular consequence: missense variant.
Genome position (GRCh38, 1-based): chr12:21,471,435, A>T on the plus strand (T>A on the coding strand, the complement: RECQL is on the minus strand). VCF-style: chr12-21471435-A-T. GRCh37 (hg19) VCF-style: chr12-21624369-A-T.
Other names: c.1660T>A, p.Tyr554Asn (NM_032941.3); short protein forms Y554N.
Identifiers: ClinVar variation 2450973 (VCV002450973.3), dbSNP rs2540319508, ClinGen allele CA384114959.

ClinVar aggregate classification (germline): Uncertain significance (1 of 4 stars; one submission).

Allele frequency attached by ClinVar (database versions not stated): gnomAD exomes below 0.00001.
gnomAD v4.1: 3 of 1,611,498 alleles (0.00019%); highest among the groups gnomAD compares: Non-Finnish European, 0.00025%; no homozygotes.

Submission:

Ambry Genetics
Classification: Uncertain significance. Last evaluated: 2025-03-12. Review status: criteria provided, single submitter. Criteria: Ambry Variant Classification Scheme 2023. Collection method: clinical testing. Allele origin: germline.
Comment: The p.Y554N variant (also known as c.1660T>A), located in coding exon 12 of the RECQL gene, results from a T to A substitution at nucleotide position 1660. The tyrosine at codon 554 is replaced by asparagine, an amino acid with dissimilar properties. This amino acid position is conserved. In addition, this alteration is predicted to be deleterious by in silico analysis. Since supporting evidence is limited at this time, the clinical significance of this alteration remains unclear.